The following is an entry in ClinVar:

ClinVar aggregate classification (germline): Likely pathogenic (1 of 4 stars; one submission).

Conditions:
Osteogenesis imperfecta type 13. Also called: OI, TYPE XIII; Osteogenesis imperfecta, type xiii. Identifiers: Orphanet 666, MedGen C3553887, MONDO:0013924, OMIM 614856.

Submission:

Center of Excellence in Precision Medicine and Digital Health (CEPMDH), Faculty of Dentistry, Chulalongkorn University
Classification: Likely pathogenic for Osteogenesis imperfecta type 13. Review status: criteria provided, single submitter. Criteria: ACMG Guidelines, 2015. Collection method: clinical testing. Allele origin: inherited. Inheritance: Autosomal recessive inheritance. Affected: yes. Observed: 1 variant allele, 1 compound heterozygote.
Comment: This variant is absent from database (gnomAD, 1000 Genomes Project Consortium, dbSNPs, Thai reference exome (T-Rex) variant database) and classified as likely pathogenic using ACMG Guidelines.

NM_006129.5(BMP1):c.965G>A (p.Cys322Tyr)

Gene: BMP1 (bone morphogenetic protein 1; plus strand). Cytogenetic location: 8p21.3.
Variant type: single nucleotide variant.
Coding change: c.965G>A on transcript NM_006129.5 (MANE Select); coding-DNA position 965, G replaced by A.
Protein change: p.Cys322Tyr; replaces cysteine 322 with tyrosine.
Molecular consequence: missense variant. On other transcripts: non-coding transcript variant (2).
Genome position (GRCh38, 1-based): chr8:22,180,371, G>A. VCF-style: chr8-22180371-G-A. GRCh37 (hg19) VCF-style: chr8-22037884-G-A.
Other names: c.965G>A, p.Cys322Tyr (NM_001199.4); short protein forms C322Y.
Identifiers: ClinVar variation 1299299 (VCV001299299.2), dbSNP rs2131855526, ClinGen allele CA370543831.